The following is an entry in ClinVar:

NM_000455.5(STK11):c.1238C>G (p.Pro413Arg)

Gene: STK11 (serine/threonine kinase 11; plus strand). Cytogenetic location: 19p13.3.
Variant type: single nucleotide variant.
Coding change: c.1238C>G on transcript NM_000455.5 (MANE Select); coding-DNA position 1238, C replaced by G.
Protein change: p.Pro413Arg; replaces proline 413 with arginine.
Molecular consequence: missense variant.
Genome position (GRCh38, 1-based): chr19:1,226,583, C>G. VCF-style: chr19-1226583-C-G. GRCh37 (hg19) VCF-style: chr19-1226582-C-G.
Other names: short protein forms P413R.
Identifiers: ClinVar variation 921436 (VCV000921436.7), dbSNP rs587782059, ClinGen allele CA402953927.

ClinVar aggregate classification (germline): Uncertain significance. Review status: criteria provided, multiple submitters, no conflicts (2 of 4 stars). 3 submissions from 3 submitters: Uncertain significance (3). Last evaluated 2025-07-07.

Conditions:
Hereditary cancer-predisposing syndrome. Also called: Hereditary Cancer Syndrome; Hereditary neoplastic syndrome; Neoplastic Syndromes, Hereditary; Tumor predisposition. Identifiers: Orphanet 140162, MedGen C0027672, MeSH D009386, MONDO:0015356.
Peutz-Jeghers syndrome (PJS). Also called: POLYPOSIS, HAMARTOMATOUS INTESTINAL; POLYPS-AND-SPOTS SYNDROME; Peutz-Jeghers polyposis; Periorificial lentiginosis syndrome. Identifiers: Orphanet 2869, MedGen C0031269, MeSH D010580, MONDO:0008280, OMIM 175200.

gnomAD v4.1: 1 of 1,578,144 alleles (0.000063%); highest among the groups gnomAD compares: East Asian, 0.0023%; no homozygotes.

Submissions (3):

Labcorp Genetics (formerly Invitae), Labcorp
Classification: Uncertain significance for Peutz-Jeghers syndrome. Last evaluated: 2025-07-07. Review status: criteria provided, single submitter. Criteria: Invitae Variant Classification Sherloc (09022015). Collection method: clinical testing. Allele origin: germline.
Comment: This sequence change replaces proline, which is neutral and non-polar, with arginine, which is basic and polar, at codon 413 of the STK11 protein (p.Pro413Arg). This variant is not present in population databases (gnomAD no frequency). This variant has not been reported in the literature in individuals affected with STK11-related conditions. ClinVar contains an entry for this variant (Variation ID: 921436). Invitae Evidence Modeling of protein sequence and biophysical properties (such as structural, functional, and spatial information, amino acid conservation, physicochemical variation, residue mobility, and thermodynamic stability) indicates that this missense variant is not expected to disrupt STK11 protein function with a negative predictive value of 95%. In summary, the available evidence is currently insufficient to determine the role of this variant in disease. Therefore, it has been classified as a Variant of Uncertain Significance.

Ambry Genetics
Classification: Uncertain significance for Hereditary cancer-predisposing syndrome. Last evaluated: 2023-11-17. Review status: criteria provided, single submitter. Criteria: Ambry Variant Classification Scheme 2023. Collection method: clinical testing. Allele origin: germline.
Comment: The p.P413R variant (also known as c.1238C>G), located in coding exon 9 of the STK11 gene, results from a C to G substitution at nucleotide position 1238. The proline at codon 413 is replaced by arginine, an amino acid with dissimilar properties. This amino acid position is not well conserved in available vertebrate species. In addition, this alteration is predicted to be tolerated by in silico analysis. Since supporting evidence is limited at this time, the clinical significance of this alteration remains unclear.

Color Diagnostics, LLC DBA Color Health
Classification: Uncertain significance for Hereditary cancer-predisposing syndrome. Last evaluated: 2019-09-11. Review status: criteria provided, single submitter. Criteria: ACMG Guidelines, 2015. Collection method: clinical testing. Allele origin: germline.
Comment: This missense variant replaces proline with arginine at codon 413 of the STK11 protein. Computational prediction tool suggests that this variant may not impact protein structure and function (internally defined REVEL score threshold ≤0.5, PMID: 27666373). Splice site prediction tools suggest that this variant may not impact RNA splicing. To our knowledge, functional studies have not been performed for this variant. This variant has not been reported in individuals affected with hereditary cancer in the literature. This variant has not been identified in the general population by the Genome Aggregation Database (gnomAD). The available evidence is insufficient to determine the role of this variant in disease conclusively. Therefore, this variant is classified as a Variant of Uncertain Significance.

Literature cited by the submitters: PubMed 30287823 (cited by Ambry Genetics).